The following is an entry in ClinVar:

NM_021267.5(CERS1):c.158C>G (p.Ala53Gly)

Genes: CERS1 (ceramide synthase 1; minus strand), GDF1 (growth differentiation factor 1; minus strand). Cytogenetic location: 19p13.11.
Variant type: single nucleotide variant.
Coding change: c.158C>G on transcript NM_021267.5 (MANE Select); coding-DNA position 158, C replaced by G.
Protein change: p.Ala53Gly; replaces alanine 53 with glycine.
Molecular consequence: missense variant. On other transcripts: 5 prime UTR variant (4), intron variant (3).
Genome position (GRCh38, 1-based): chr19:18,895,915, G>C on the plus strand (C>G on the coding strand, the complement: CERS1 is on the minus strand). VCF-style: chr19-18895915-G-C. GRCh37 (hg19) VCF-style: chr19-19006724-G-C.
Other names: c.158C>G, p.Ala53Gly (NM_001387439.1, NM_001387440.1, NM_001387441.1 and 1 more transcripts); c.-371C>G (NM_001387444.1); c.-318C>G (NM_001387445.1); c.-745C>G (NM_001387438.1); c.-1165C>G (NM_001492.6); c.-46+811C>G (NM_001387443.1); c.-46+646C>G (NM_001387442.1, NM_001290265.2); short protein forms A53G.
Identifiers: ClinVar variation 1489583 (VCV001489583.8), dbSNP rs2056615240, ClinGen allele CA404868464.
Genomic context (GRCh38, chr19:18,895,915, plus strand): 5'-AGGGCGGTCCAGCCCAGCGCGCCGAGCGCCAGCAGCAGCAGCTCGGGCGGCGCCAGGTGC[G>C]CGTGCTCAGCCAGGCCGCGACGCGCCAGCCCCCAGCCGCAGTCCGTGCAGCCCCGCGCCG-3'
Protein context (NP_067090.1, residues 43-63): GLARRGLAEH[Ala53Gly]HLAPPELLLL

ClinVar aggregate classification (germline): Uncertain significance (1 of 4 stars; one submission).

Conditions:
Progressive myoclonic epilepsy type 8. Identifiers: Orphanet 424027, MedGen C5190825, MONDO:0014545, OMIM 616230.

Submission:

Labcorp Genetics (formerly Invitae), Labcorp
Classification: Uncertain significance for Progressive myoclonic epilepsy type 8. Last evaluated: 2020-11-28. Review status: criteria provided, single submitter. Criteria: Invitae Variant Classification Sherloc (09022015). Collection method: clinical testing. Allele origin: germline.
Comment: This sequence change replaces alanine with glycine at codon 53 of the CERS1 protein (p.Ala53Gly). The alanine residue is moderately conserved and there is a small physicochemical difference between alanine and glycine. In summary, the available evidence is currently insufficient to determine the role of this variant in disease. Therefore, it has been classified as a Variant of Uncertain Significance. Algorithms developed to predict the effect of missense changes on protein structure and function are either unavailable or do not agree on the potential impact of this missense change (SIFT: "Deleterious"; PolyPhen-2: "Probably Damaging"; Align-GVGD: "Class C0"). This variant has not been reported in the literature in individuals with CERS1-related conditions. The frequency data for this variant in the population databases is considered unreliable, as metrics indicate insufficient coverage at this position in the ExAC database.